The following is an entry in ClinVar:

NM_001851.6(COL9A1):c.643G>A (p.Asp215Asn)

Gene: COL9A1 (collagen type IX alpha 1 chain; minus strand). Cytogenetic location: 6q13.
Variant type: single nucleotide variant.
Coding change: c.643G>A on transcript NM_001851.6 (MANE Select); coding-DNA position 643, G replaced by A.
Protein change: p.Asp215Asn; replaces aspartic acid 215 with asparagine.
Molecular consequence: missense variant.
Genome position (GRCh38, 1-based): chr6:70,294,220, C>T on the plus strand (G>A on the coding strand, the complement: COL9A1 is on the minus strand). VCF-style: chr6-70294220-C-T. GRCh37 (hg19) VCF-style: chr6-71003923-C-T.
Other names: c.643G>A, p.Asp215Asn (NM_001377291.1); short protein forms D215N.
Identifiers: ClinVar variation 2066041 (VCV002066041.4), dbSNP rs2483498451, ClinGen allele CA364670463.

ClinVar aggregate classification (germline): Uncertain significance (1 of 4 stars; one submission).

Submission:

Labcorp Genetics (formerly Invitae), Labcorp
Classification: Uncertain significance. Last evaluated: 2021-12-29. Review status: criteria provided, single submitter. Criteria: Invitae Variant Classification Sherloc (09022015). Collection method: clinical testing. Allele origin: germline.
Comment: This sequence change replaces aspartic acid, which is acidic and polar, with asparagine, which is neutral and polar, at codon 215 of the COL9A1 protein (p.Asp215Asn). This variant is not present in population databases (gnomAD no frequency). This variant has not been reported in the literature in individuals affected with COL9A1-related conditions. Advanced modeling of protein sequence and biophysical properties (such as structural, functional, and spatial information, amino acid conservation, physicochemical variation, residue mobility, and thermodynamic stability) performed at Invitae indicates that this missense variant is not expected to disrupt COL9A1 protein function. In summary, the available evidence is currently insufficient to determine the role of this variant in disease. Therefore, it has been classified as a Variant of Uncertain Significance.